The following is an entry in ClinVar:

NM_001374736.1(DST):c.12055G>A (p.Gly4019Arg)

Gene: DST (dystonin; minus strand). Cytogenetic location: 6p12.1.
Variant type: single nucleotide variant.
Coding change: c.12055G>A on transcript NM_001374736.1 (MANE Select); coding-DNA position 12055, G replaced by A.
Protein change: p.Gly4019Arg; replaces glycine 4019 with arginine.
Molecular consequence: missense variant.
Genome position (GRCh38, 1-based): chr6:56,597,880, C>T on the plus strand (G>A on the coding strand, the complement: DST is on the minus strand). VCF-style: chr6-56597880-C-T. GRCh37 (hg19) VCF-style: chr6-56462678-C-T.
Other names: c.5698G>A (NM_001144769.2); c.5698G>A, p.Gly1900Arg (NM_001144769.5); c.5284G>A, p.Gly1762Arg (NM_001144770.2); c.12055G>A, p.Gly4019Arg (NM_001374722.1); c.11422G>A, p.Gly3808Arg (NM_001374729.1); c.5164G>A, p.Gly1722Arg (NM_001374730.1, NM_183380.4); c.12082G>A, p.Gly4028Arg (NM_001374734.1); c.4186G>A, p.Gly1396Arg (NM_015548.5); short protein forms G1900R, G1762R, G3808R, G4028R, G1722R, G4019R, G1396R.
Identifiers: ClinVar variation 970026 (VCV000970026.9), dbSNP rs540399392, ClinGen allele CA3868522.

ClinVar aggregate classification (germline): Uncertain significance. Review status: criteria provided, multiple submitters, no conflicts (2 of 4 stars). 2 submissions from 2 submitters: Uncertain significance (2). Last evaluated 2026-06-09.

Conditions:
DST-related disorder. Also called: DST-related condition; DST-related disorders.
Epidermolysis bullosa simplex 3, localized or generalized intermediate, with BP230 deficiency (EBS3). Also called: Epidermolysis bullosa simplex, autosomal recessive 2; Epidermolysis bullosa simplex due to BP230 deficiency. Identifiers: Orphanet 412181, MedGen C3809470, MONDO:0014180, OMIM 615425.
Hereditary sensory and autonomic neuropathy type 6. Also called: HSAN VI; Neuropathy, hereditary sensory and autonomic, type VI. Identifiers: Orphanet 314381, MedGen C3539003, MONDO:0013839, OMIM 614653.

Allele frequency attached by ClinVar (database versions not stated): ExAC 0.00001; gnomAD 0.00001 and 0.00002; TOPMed 0.00001; gnomAD exomes 0.00002 and 0.00004; 1000 Genomes Project 0.00020; 1000 Genomes Project 30x 0.00031.
gnomAD v4.1: 61 of 1,613,788 alleles (0.0038%); highest among the groups gnomAD compares: Non-Finnish European, 0.0047%; no homozygotes.

Submissions (2):

PreventionGenetics, part of Exact Sciences
Classification: Uncertain significance for DST-related condition. Last evaluated: 2026-06-09. Review status: criteria provided, single submitter. Criteria: ACMG Guidelines, 2015. Collection method: clinical testing. Allele origin: germline.
Comment: The DST c.5698G>A variant is predicted to result in the amino acid substitution p.Gly1900Arg. To our knowledge, this variant has not been reported in the literature. This variant is reported in 0.0083% of alleles in individuals of African descent in gnomAD. At this time, the clinical significance of this variant is uncertain due to the absence of conclusive functional and genetic evidence.

Labcorp Genetics (formerly Invitae), Labcorp
Classification: Uncertain significance for Epidermolysis bullosa simplex 3, localized or generalized intermediate, with BP230 deficiency; Hereditary sensory and autonomic neuropathy type 6. Last evaluated: 2022-08-16. Review status: criteria provided, single submitter. Criteria: Invitae Variant Classification Sherloc (09022015). Collection method: clinical testing. Allele origin: germline.
Comment: In summary, the available evidence is currently insufficient to determine the role of this variant in disease. Therefore, it has been classified as a Variant of Uncertain Significance. Experimental studies and prediction algorithms are not available or were not evaluated, and the functional significance of this variant is currently unknown. This variant has not been reported in the literature in individuals affected with DST-related conditions. This variant is present in population databases (rs540399392, gnomAD 0.008%). This sequence change replaces glycine, which is neutral and non-polar, with arginine, which is basic and polar, at codon 1396 of the DST protein (p.Gly1396Arg). The DST gene has multiple clinically relevant transcripts. This variant occurs in alternate transcript NM_015548.4, and corresponds to c.*17637G>A in NM_001723.5 in the primary transcript.